The following is an entry in ClinVar:

NM_024105.4(ALG12):c.338C>T (p.Thr113Met)

Gene: ALG12 (ALG12 alpha-1,6-mannosyltransferase; minus strand). Cytogenetic location: 22q13.33.
Variant type: single nucleotide variant.
Coding change: c.338C>T on transcript NM_024105.4 (MANE Select); coding-DNA position 338, C replaced by T.
Protein change: p.Thr113Met; replaces threonine 113 with methionine.
Molecular consequence: missense variant.
Genome position (GRCh38, 1-based): chr22:49,910,565, G>A on the plus strand (C>T on the coding strand, the complement: ALG12 is on the minus strand). VCF-style: chr22-49910565-G-A. GRCh37 (hg19) VCF-style: chr22-50304213-G-A.
Other names: short protein forms T113M.
Identifiers: ClinVar variation 2428281 (VCV002428281.4), dbSNP rs1338909166, ClinGen allele CA412078628.

ClinVar aggregate classification (germline): Uncertain significance (1 of 4 stars; one submission).

Conditions:
ALG12-congenital disorder of glycosylation (CDG1G). Also called: Congenital disorder of glycosylation, type Ig; ALG12-CDG; CDG Ig. Identifiers: Orphanet 79324, MedGen C2931001, MONDO:0011783, OMIM 607143.

Allele frequency attached by ClinVar (database versions not stated): gnomAD exomes below 0.00001; gnomAD 0.00001; TOPMed 0.00001.
gnomAD v4.1: 10 of 1,614,032 alleles (0.00062%); highest among the groups gnomAD compares: Admixed American, 0.005%; no homozygotes.

Submission:

Labcorp Genetics (formerly Invitae), Labcorp
Classification: Uncertain significance for ALG12-congenital disorder of glycosylation. Last evaluated: 2022-05-20. Review status: criteria provided, single submitter. Criteria: Invitae Variant Classification Sherloc (09022015). Collection method: clinical testing. Allele origin: germline.
Comment: In summary, the available evidence is currently insufficient to determine the role of this variant in disease. Therefore, it has been classified as a Variant of Uncertain Significance. Algorithms developed to predict the effect of missense changes on protein structure and function output the following: SIFT: "Tolerated"; PolyPhen-2: "Benign"; Align-GVGD: "Class C0". The methionine amino acid residue is found in multiple mammalian species, which suggests that this missense change does not adversely affect protein function. This variant has not been reported in the literature in individuals affected with ALG12-related conditions. This variant is present in population databases (no rsID available, gnomAD 0.006%). This sequence change replaces threonine, which is neutral and polar, with methionine, which is neutral and non-polar, at codon 113 of the ALG12 protein (p.Thr113Met).